The following is an entry in ClinVar:

NM_006231.4(POLE):c.720+20G>A

Gene: POLE (DNA polymerase epsilon, catalytic subunit; minus strand). Cytogenetic location: 12q24.33.
Variant type: single nucleotide variant.
Coding change: c.720+20G>A on transcript NM_006231.4 (MANE Select); 20 bases into the intron after coding-DNA position 720, G replaced by A.
Molecular consequence: intron variant.
Genome position (GRCh38, 1-based): chr12:132,677,558, C>T on the plus strand (G>A on the coding strand, the complement: POLE is on the minus strand). VCF-style: chr12-132677558-C-T. GRCh37 (hg19) VCF-style: chr12-133254144-C-T.
Identifiers: ClinVar variation 1564581 (VCV001564581.12), dbSNP rs771352389, ClinGen allele CA246300161.

ClinVar aggregate classification (germline): Likely benign. Review status: criteria provided, multiple submitters, no conflicts (2 of 4 stars). 3 submissions from 3 submitters: Likely benign (3). Last evaluated 2025-09-09.

Conditions:
Hereditary cancer-predisposing syndrome. Also called: Tumor predisposition; Hereditary Cancer Syndrome; Hereditary neoplastic syndrome; Neoplastic Syndromes, Hereditary. Identifiers: Orphanet 140162, MedGen C0027672, MeSH D009386, MONDO:0015356.

Allele frequency attached by ClinVar (database versions not stated): gnomAD exomes below 0.00001; gnomAD 0.00001.
gnomAD v4.1: 8 of 1,613,892 alleles (0.0005%); highest among the groups gnomAD compares: Middle Eastern, 0.033%; no homozygotes.

Submissions (3):

Labcorp Genetics (formerly Invitae), Labcorp
Classification: Likely benign. Last evaluated: 2025-09-09. Review status: criteria provided, single submitter. Criteria: Invitae Variant Classification Sherloc (09022015). Collection method: clinical testing. Allele origin: germline.

Center for Genomic Medicine, Rigshospitalet, Copenhagen University Hospital
Classification: Likely benign. Last evaluated: 2025-03-04. Review status: criteria provided, single submitter. Criteria: ACMG Guidelines, 2015. Collection method: clinical testing. Allele origin: germline.

Molecular Diagnostics Laboratory, Catalan Institute of Oncology
Classification: Likely benign for Hereditary cancer-predisposing syndrome. Last evaluated: 2025-01-19. Review status: criteria provided, single submitter. Criteria: Submitter's publication. Collection method: clinical testing. Allele origin: germline.
Comment: PM2_Supporting, BP4, BP7 POLE c.720+20G>A is an intronic variant located not very close to a canonical splice site. It is not present in the population database gnomAD v2.1.1, non cancer dataset (PM2_Supporting). The SpliceAI algorithm predicts no significant impact on splicing (BP4, BP7). To our knowledge, neither relevant clinical data nor well-established functional studies have been reported for this variant. This variant has not been reported neither in ClinVar nor LOVD databases. Based on currently available information, the variant c.720+20G>A should be considered a likely benign variant.